The following is an entry in ClinVar:

ClinVar aggregate classification (germline): Uncertain significance (1 of 4 stars; one submission).

Submission:

Women's Health and Genetics/Laboratory Corporation of America, LabCorp
Classification: Uncertain significance. Last evaluated: 2024-09-17. Review status: criteria provided, single submitter. Criteria: LabCorp Variant Classification Summary - May 2015. Collection method: clinical testing. Allele origin: germline.
Comment: Variant summary: NOTCH3 c.4001C>G (p.Ala1334Gly) results in a non-conservative amino acid change in the encoded protein sequence. Four of five in-silico tools predict a benign effect of the variant on protein function. The frequency data for this variant in gnomAD is considered unreliable, as metrics indicate poor data quality at this position. To our knowledge, no occurrence of c.4001C>G in individuals affected with NOTCH3-Related Disorders and no experimental evidence demonstrating its impact on protein function have been reported. No submitters have cited clinical-significance assessments for this variant to ClinVar. Based on the evidence outlined above, the variant was classified as uncertain significance.

NM_000435.3(NOTCH3):c.4001C>G (p.Ala1334Gly)

Gene: NOTCH3 (notch receptor 3; minus strand). Cytogenetic location: 19p13.12.
Variant type: single nucleotide variant.
Coding change: c.4001C>G on transcript NM_000435.3 (MANE Select); coding-DNA position 4001, C replaced by G.
Protein change: p.Ala1334Gly; replaces alanine 1334 with glycine.
Molecular consequence: missense variant.
Genome position (GRCh38, 1-based): chr19:15,177,927, G>C on the plus strand (C>G on the coding strand, the complement: NOTCH3 is on the minus strand). VCF-style: chr19-15177927-G-C. GRCh37 (hg19) VCF-style: chr19-15288738-G-C.
Other names: short protein forms A1334G.
Identifiers: ClinVar variation 3375421 (VCV003375421.1).